The following is an entry in ClinVar:

NM_001605.3(AARS1):c.2285A>G (p.Lys762Arg)

Gene: AARS1 (alanyl-tRNA synthetase 1; minus strand). Cytogenetic location: 16q22.1.
Variant type: single nucleotide variant.
Coding change: c.2285A>G on transcript NM_001605.3 (MANE Select); coding-DNA position 2285, A replaced by G.
Protein change: p.Lys762Arg; replaces lysine 762 with arginine.
Molecular consequence: missense variant.
Genome position (GRCh38, 1-based): chr16:70,255,729, T>C on the plus strand (A>G on the coding strand, the complement: AARS1 is on the minus strand). VCF-style: chr16-70255729-T-C. GRCh37 (hg19) VCF-style: chr16-70289632-T-C.
Other names: short protein forms K762R.
Identifiers: ClinVar variation 947453 (VCV000947453.7), dbSNP rs1224948634, ClinGen allele CA396556750.

ClinVar aggregate classification (germline): Uncertain significance. Review status: criteria provided, multiple submitters, no conflicts (2 of 4 stars). 2 submissions from 2 submitters: Uncertain significance (2). Last evaluated 2025-04-17.

Conditions:
Charcot-Marie-Tooth disease type 2. Also called: Charcot-Marie-Tooth type 2. Identifiers: Orphanet 64746, MedGen C0270914, MONDO:0018993.
Charcot-Marie-Tooth disease axonal type 2N (CMT2N). Also called: Charcot-Marie-Tooth Neuropathy Type 2N; CHARCOT-MARIE-TOOTH DISEASE, AXONAL, AUTOSOMAL DOMINANT, TYPE 2N; CHARCOT-MARIE-TOOTH NEUROPATHY, AXONAL, TYPE 2N. Identifiers: Orphanet 228174, MedGen C2750090, MONDO:0013212, OMIM 613287.

Allele frequency attached by ClinVar (database versions not stated): gnomAD 0.00001; gnomAD exomes 0.00002 and 0.00001; TOPMed below 0.00001.
gnomAD v4.1: 24 of 1,613,962 alleles (0.0015%); highest among the groups gnomAD compares: Non-Finnish European, 0.002%; no homozygotes.

Submissions (2):

Labcorp Genetics (formerly Invitae), Labcorp
Classification: Uncertain significance for Charcot-Marie-Tooth disease type 2. Last evaluated: 2025-04-17. Review status: criteria provided, single submitter. Criteria: Invitae Variant Classification Sherloc (09022015). Collection method: clinical testing. Allele origin: germline.
Comment: This sequence change replaces lysine, which is basic and polar, with arginine, which is basic and polar, at codon 762 of the AARS protein (p.Lys762Arg). This variant is present in population databases (no rsID available, gnomAD 0.002%). This variant has not been reported in the literature in individuals affected with AARS-related conditions. ClinVar contains an entry for this variant (Variation ID: 947453). An algorithm developed to predict the effect of missense changes on protein structure and function (PolyPhen-2) suggests that this variant is likely to be tolerated. Algorithms developed to predict the effect of sequence changes on RNA splicing suggest that this variant may disrupt the consensus splice site. In summary, the available evidence is currently insufficient to determine the role of this variant in disease. Therefore, it has been classified as a Variant of Uncertain Significance.

Baylor Genetics
Classification: Uncertain significance for Charcot-Marie-Tooth disease axonal type 2N. Last evaluated: 2020-07-24. Review status: criteria provided, single submitter. Criteria: ACMG Guidelines, 2015. Collection method: clinical testing. Allele origin: unknown. Affected: yes.
Comment: This variant was determined to be of uncertain significance according to ACMG Guidelines, 2015 [PMID:25741868].